The following is an entry in ClinVar:

NM_004333.6(BRAF):c.1250A>G (p.Gln417Arg)

Gene: BRAF (B-Raf proto-oncogene, serine/threonine kinase; minus strand). Cytogenetic location: 7q34.
Variant type: single nucleotide variant.
Coding change: c.1250A>G on transcript NM_004333.6 (MANE Select); coding-DNA position 1250, A replaced by G.
Protein change: p.Gln417Arg; replaces glutamine 417 with arginine.
Molecular consequence: missense variant. On other transcripts: splice acceptor variant (1).
Genome position (GRCh38, 1-based): chr7:140,783,085, T>C on the plus strand (A>G on the coding strand, the complement: BRAF is on the minus strand). VCF-style: chr7-140783085-T-C. GRCh37 (hg19) VCF-style: chr7-140482885-T-C.
Other names: c.1250A>G, p.Gln417Arg (NM_001354609.2, NM_001378468.1, NM_001378474.1); c.1370A>G, p.Gln457Arg (NM_001374244.1, NM_001374258.1); c.1259A>G, p.Gln420Arg (NM_001378467.1); c.1184A>G, p.Gln395Arg (NM_001378469.1); c.1148A>G, p.Gln383Arg (NM_001378470.1); c.1094A>G, p.Gln365Arg (NM_001378472.1, NM_001378473.1); c.986A>G, p.Gln329Arg (NM_001378475.1); c.1141-2A>G (NM_001378471.1); short protein forms Q329R, Q383R, Q420R, Q395R, Q417R, Q365R, Q457R.
Identifiers: ClinVar variation 1935409 (VCV001935409.5), dbSNP rs978365655, ClinGen allele CA168091711.

ClinVar aggregate classification (germline): Uncertain significance (1 of 4 stars; one submission).

Conditions:
RASopathy. Also called: rasopathies; Noonan spectrum disorder. Identifiers: Orphanet 536391, MedGen C5555857, MONDO:0021060.

gnomAD v4.1: 3 of 1,613,990 alleles (0.00019%); highest among the groups gnomAD compares: African/African-American, 0.0027%; no homozygotes.

Submission:

Labcorp Genetics (formerly Invitae), Labcorp
Classification: Uncertain significance for RASopathy. Last evaluated: 2022-09-11. Review status: criteria provided, single submitter. Criteria: Invitae Variant Classification Sherloc (09022015). Collection method: clinical testing. Allele origin: germline.
Comment: This variant has not been reported in the literature in individuals affected with BRAF-related conditions. This variant is present in population databases (no rsID available, gnomAD 0.01%). This sequence change replaces glutamine, which is neutral and polar, with arginine, which is basic and polar, at codon 417 of the BRAF protein (p.Gln417Arg). In summary, the available evidence is currently insufficient to determine the role of this variant in disease. Therefore, it has been classified as a Variant of Uncertain Significance. Advanced modeling of protein sequence and biophysical properties (such as structural, functional, and spatial information, amino acid conservation, physicochemical variation, residue mobility, and thermodynamic stability) performed at Invitae indicates that this missense variant is not expected to disrupt BRAF protein function.